The following is an entry in ClinVar:

NM_001042492.3(NF1):c.6575A>T (p.Tyr2192Phe)

Gene: NF1 (neurofibromin 1; plus strand). Cytogenetic location: 17q11.2.
Variant type: single nucleotide variant.
Coding change: c.6575A>T on transcript NM_001042492.3 (MANE Select); coding-DNA position 6575, A replaced by T.
Protein change: p.Tyr2192Phe; replaces tyrosine 2192 with phenylalanine.
Molecular consequence: missense variant.
Genome position (GRCh38, 1-based): chr17:31,337,515, A>T. VCF-style: chr17-31337515-A-T. GRCh37 (hg19) VCF-style: chr17-29664533-A-T.
Other names: c.6512A>T, p.Tyr2171Phe (NM_000267.4); short protein forms Y2171F, Y2192F.
Identifiers: ClinVar variation 2844173 (VCV002844173.3), dbSNP rs1164251278, ClinGen allele CA399013308.

ClinVar aggregate classification (germline): Uncertain significance (1 of 4 stars; one submission).

Conditions:
Neurofibromatosis, type 1 (NF1). Also called: Neurofibromatosis, type I; VON RECKLINGHAUSEN DISEASE; NEUROFIBROMATOSIS, TYPE I, SOMATIC; Peripheral type neurofibromatosis. Identifiers: Orphanet 636, MedGen C0027831, MONDO:0018975, OMIM 162200. Disease mechanism: loss of function.

Submission:

Labcorp Genetics (formerly Invitae), Labcorp
Classification: Uncertain significance for Neurofibromatosis, type 1. Last evaluated: 2025-07-29. Review status: criteria provided, single submitter. Criteria: Invitae Variant Classification Sherloc (09022015). Collection method: clinical testing. Allele origin: germline.
Comment: This sequence change replaces tyrosine, which is neutral and polar, with phenylalanine, which is neutral and non-polar, at codon 2171 of the NF1 protein (p.Tyr2171Phe). This variant is not present in population databases (gnomAD no frequency). This variant has not been reported in the literature in individuals affected with NF1-related conditions. ClinVar contains an entry for this variant (Variation ID: 2844173). Invitae Evidence Modeling of protein sequence and biophysical properties (such as structural, functional, and spatial information, amino acid conservation, physicochemical variation, residue mobility, and thermodynamic stability) has been performed for this missense variant. However, the output from this modeling did not meet the statistical confidence thresholds required to predict the impact of this variant on NF1 protein function. In summary, the available evidence is currently insufficient to determine the role of this variant in disease. Therefore, it has been classified as a Variant of Uncertain Significance.